The following is an entry in ClinVar:

ClinVar aggregate classification (germline): Uncertain significance (1 of 4 stars; one submission).

Conditions:
Inborn genetic diseases. Identifiers: MedGen C0950123, MeSH D030342.

Submission:

Ambry Genetics
Classification: Uncertain significance for Inborn genetic diseases. Last evaluated: 2026-05-14. Review status: criteria provided, single submitter. Criteria: Ambry Variant Classification Scheme 2023. Collection method: clinical testing. Allele origin: germline.
Comment: The p.P724A variant (also known as c.2170C>G), located in coding exon 8 of the MECOM gene, results from a C to G substitution at nucleotide position 2170. The proline at codon 724 is replaced by alanine, an amino acid with highly similar properties. This amino acid position is conserved. In addition, the in silico prediction for this alteration is inconclusive. Based on the available evidence, the clinical significance of this variant remains unclear.

NM_004991.4(MECOM):c.2170C>G (p.Pro724Ala)

Gene: MECOM (MDS1 and EVI1 complex locus; minus strand). Cytogenetic location: 3q26.2.
Variant type: single nucleotide variant.
Coding change: c.2170C>G on transcript NM_004991.4 (MANE Select); coding-DNA position 2170, C replaced by G.
Protein change: p.Pro724Ala; replaces proline 724 with alanine.
Molecular consequence: missense variant.
Genome position (GRCh38, 1-based): chr3:169,115,702, G>C on the plus strand (C>G on the coding strand, the complement: MECOM is on the minus strand). VCF-style: chr3-169115702-G-C. GRCh37 (hg19) VCF-style: chr3-168833490-G-C.
Other names: c.1606C>G, p.Pro536Ala (NM_001366471.2, NM_001366472.2, NM_005241.4 and 4 more transcripts); c.1198C>G, p.Pro400Ala (NM_001366473.2); c.634C>G, p.Pro212Ala (NM_001366474.2); c.1801C>G, p.Pro601Ala (NM_001105077.4); c.1609C>G, p.Pro537Ala (NM_001163999.2, NM_001366467.2, NM_001366468.2 and 1 more transcripts); c.2170C>G, p.Pro724Ala (NM_001366466.2); short protein forms P212A, P400A, P536A, P537A, P601A, P724A.
Identifiers: ClinVar variation 4859771 (VCV004859771.1).